The following is an entry in ClinVar:

NM_001005361.3(DNM2):c.646G>T (p.Ala216Ser)

Gene: DNM2 (dynamin 2; plus strand). Cytogenetic location: 19p13.2.
Variant type: single nucleotide variant.
Coding change: c.646G>T on transcript NM_001005361.3 (MANE Select); coding-DNA position 646, G replaced by T.
Protein change: p.Ala216Ser; replaces alanine 216 with serine.
Molecular consequence: missense variant.
Genome position (GRCh38, 1-based): chr19:10,777,174, G>T. VCF-style: chr19-10777174-G-T. GRCh37 (hg19) VCF-style: chr19-10887850-G-T.
Other names: c.646G>T, p.Ala216Ser (NM_001005360.3, NM_001005362.3, NM_001190716.2 and 1 more transcripts); short protein forms A216S.
Identifiers: ClinVar variation 850543 (VCV000850543.13), dbSNP rs2071182880, ClinGen allele CA404043419.
Genomic context (GRCh38, chr19:10,777,174, plus strand): 5'-TCAGGCCTACGGACCATCGGTGTCATCACCAAGCTTGACCTGATGGACGAGGGCACCGAC[G>T]CCAGGGACGTCTTGGAGAACAAGTTGCTCCCGTTGAGAAGAGGTGTGGCTTTGGGGGTGC-3'
Protein context (NP_001005361.1, residues 206-226): KLDLMDEGTD[Ala216Ser]RDVLENKLLP

ClinVar aggregate classification (germline): Uncertain significance. Review status: criteria provided, multiple submitters, no conflicts (2 of 4 stars). 3 submissions from 3 submitters: Uncertain significance (3). Last evaluated 2025-05-01.

Conditions:
Inborn genetic diseases. Identifiers: MedGen C0950123, MeSH D030342.
Charcot-Marie-Tooth disease dominant intermediate B (CMTDIB). Also called: Charcot-Marie-Tooth disease dominant intermediate 1; CMT DI1; Charcot-Marie-Tooth disease dominant intermediate I; CHARCOT-MARIE-TOOTH NEUROPATHY, DOMINANT INTERMEDIATE B. Identifiers: Orphanet 100044, Orphanet 228179, MedGen C1847902, MONDO:0011674, OMIM 606482.

Allele frequency attached by ClinVar (database versions not stated): gnomAD exomes below 0.00001; TOPMed below 0.00001.
gnomAD v4.1: 6 of 1,614,170 alleles (0.00037%); highest among the groups gnomAD compares: Non-Finnish European, 0.00042%; no homozygotes.

Submissions (3):

Labcorp Genetics (formerly Invitae), Labcorp
Classification: Uncertain significance for Charcot-Marie-Tooth disease dominant intermediate B. Last evaluated: 2025-05-01. Review status: criteria provided, single submitter. Criteria: Invitae Variant Classification Sherloc (09022015). Collection method: clinical testing. Allele origin: germline.
Comment: This sequence change replaces alanine, which is neutral and non-polar, with serine, which is neutral and polar, at codon 216 of the DNM2 protein (p.Ala216Ser). This variant is not present in population databases (gnomAD no frequency). This variant has not been reported in the literature in individuals affected with DNM2-related conditions. ClinVar contains an entry for this variant (Variation ID: 850543). Invitae Evidence Modeling of protein sequence and biophysical properties (such as structural, functional, and spatial information, amino acid conservation, physicochemical variation, residue mobility, and thermodynamic stability) has been performed for this missense variant. However, the output from this modeling did not meet the statistical confidence thresholds required to predict the impact of this variant on DNM2 protein function. In summary, the available evidence is currently insufficient to determine the role of this variant in disease. Therefore, it has been classified as a Variant of Uncertain Significance.

Athena Diagnostics
Classification: Uncertain significance. Last evaluated: 2022-09-21. Review status: criteria provided, single submitter. Criteria: Athena Diagnostics Criteria. Collection method: clinical testing. Allele origin: unknown.
Comment: Available data are insufficient to determine the clinical significance of the variant at this time. This variant has not been reported in large, multi-ethnic general populations. Computational tools disagree on the variant's effect on normal protein function.

Ambry Genetics
Classification: Uncertain significance for Inborn genetic diseases. Last evaluated: 2019-09-03. Review status: criteria provided, single submitter. Criteria: Ambry Variant Classification Scheme 2023. Collection method: clinical testing. Allele origin: germline.
Comment: The p.A216S variant (also known as c.646G>T), located in coding exon 5 of the DNM2 gene, results from a G to T substitution at nucleotide position 646. The alanine at codon 216 is replaced by serine, an amino acid with similar properties. This amino acid position is highly conserved in available vertebrate species. In addition, this alteration is predicted to be deleterious by in silico analysis. Since supporting evidence is limited at this time, the clinical significance of this alteration remains unclear.